The following is an entry in ClinVar:

ClinVar aggregate classification (germline): Uncertain significance (1 of 4 stars; one submission).

Conditions:
Isolated growth hormone deficiency type IB (IGHD1B). Also called: IGHD IB; IGHD 1B. Identifiers: Orphanet 231671, Orphanet 631, MedGen C2748571, MONDO:0013006, OMIM 612781.

Allele frequency attached by ClinVar (database versions not stated): ExAC 0.00001; gnomAD 0.00001 and 0.00003; gnomAD exomes 0.00001 and 0.00011; TOPMed 0.00001; 1000 Genomes Project 30x 0.00016; 1000 Genomes Project 0.00020.
gnomAD v4.1: 158 of 1,585,466 alleles (0.01%); highest among the groups gnomAD compares: East Asian, 0.35%; no homozygotes.

Submission:

Illumina Laboratory Services, Illumina
Classification: Uncertain significance for Isolated growth hormone deficiency type IB. Last evaluated: 2017-04-27. Review status: criteria provided, single submitter. Criteria: ICSL Variant Classification Criteria 13 December 2019. Collection method: clinical testing. Allele origin: germline.
Comment: This variant was observed as part of a predisposition screen in an ostensibly healthy population. A literature search was performed for the gene, cDNA change, and amino acid change (where applicable). Publications were found based on this search. However, the evidence from the literature, in combination with allele frequency data from public databases where available, was not sufficient to rule this variant in or out of causing disease. Therefore, this variant is classified as a variant of unknown significance.

Literature cited by the submitters: PubMed 21044116.

NM_000823.4(GHRHR):c.882+11G>A

Gene: GHRHR (growth hormone releasing hormone receptor; plus strand). Cytogenetic location: 7p14.3.
Variant type: single nucleotide variant.
Coding change: c.882+11G>A on transcript NM_000823.4 (MANE Select); 11 bases into the intron after coding-DNA position 882, G replaced by A.
Molecular consequence: intron variant.
Genome position (GRCh38, 1-based): chr7:30,975,051, G>A. VCF-style: chr7-30975051-G-A. GRCh37 (hg19) VCF-style: chr7-31014666-G-A.
Identifiers: ClinVar variation 912023 (VCV000912023.4), dbSNP rs200997755, ClinGen allele CA4208702.